The following is an entry in ClinVar:

ClinVar aggregate classification (germline): Likely pathogenic (1 of 4 stars; one submission).

Conditions:
Carnitine palmitoyl transferase 1A deficiency. Also called: CPT deficiency, hepatic, type IA; CPT I DEFICIENCY; CPT DEFICIENCY, HEPATIC, TYPE I; Carnitine palmitoyltransferase type I deficiency; Carnitine palmitoyltransferase 1A deficiency. Identifiers: Orphanet 156, MedGen C1829703, MONDO:0009705, OMIM 255120.

Submission:

Juno Genomics, Hangzhou Juno Genomics, Inc
Classification: Likely pathogenic for Carnitine palmitoyl transferase 1A deficiency. Review status: criteria provided, single submitter. Criteria: ACMG Guidelines, 2015. Collection method: clinical testing. Allele origin: germline. Affected: yes.
Comment: Absent from controls (or at extremely low frequency if recessive) in Genome Aggregation Database, Exome Sequencing Project, 1000 Genomes Project, or Exome Aggregation Consortium.;Null variant in a gene where loss of function (LOF) is a known mechanism of disease.

NM_001876.4(CPT1A):c.122dup (p.Lys42fs)

Gene: CPT1A (carnitine palmitoyltransferase 1A; minus strand). Cytogenetic location: 11q13.3.
Variant type: Duplication.
Coding change: c.122dup on transcript NM_001876.4 (MANE Select); coding-DNA position 122, one base duplicated (A; older notation c.122dupA).
Protein change: p.Lys42fs; shifts the reading frame from lysine 42.
Molecular consequence: frameshift variant.
Genome position (GRCh38, 1-based): chr11:68,815,353, T duplicated on the plus strand (A on the coding strand, the reverse complement: CPT1A is on the minus strand); the first of 5 consecutive T bases (chr11:68,815,353-68,815,357); duplicating any one gives the same sequence. VCF-style (leftmost placement, unchanged base first): chr11-68815352-C-CT. GRCh37 (hg19) VCF-style: chr11-68582820-C-CT.
Other names: c.122dup, p.Lys42fs (NM_001031847.3); short protein forms K42fs.
Identifiers: ClinVar variation 3767103 (VCV003767103.2).